The following is an entry in ClinVar:

NM_000553.6(WRN):c.520A>T (p.Thr174Ser)

Gene: WRN (WRN RecQ like helicase; plus strand). Cytogenetic location: 8p12.
Variant type: single nucleotide variant.
Coding change: c.520A>T on transcript NM_000553.6 (MANE Select); coding-DNA position 520, A replaced by T.
Protein change: p.Thr174Ser; replaces threonine 174 with serine.
Molecular consequence: missense variant.
Genome position (GRCh38, 1-based): chr8:31,067,048, A>T. VCF-style: chr8-31067048-A-T. GRCh37 (hg19) VCF-style: chr8-30924564-A-T.
Other names: short protein forms T174S.
Identifiers: ClinVar variation 642399 (VCV000642399.5), dbSNP rs1585411657, ClinGen allele CA370915879.
Genomic context (GRCh38, chr8:31,067,048, plus strand): 5'-AAAACAGGAACTGATTTTACTGTGTTGCTTTTTCATCATTTCTAGCTGAAATGCACAGAG[A>T]CCTGGAGCCTTAACAGTCTGGTTAAACACCTCTTAGGTAAACAGCTCCTGAAAGACAAGT-3'
Protein context (NP_000544.2, residues 164-184): VANKKLKCTE[Thr174Ser]WSLNSLVKHL

ClinVar aggregate classification (germline): Uncertain significance (1 of 4 stars; one submission).

Conditions:
Werner syndrome (WRN). Identifiers: Orphanet 902, MedGen C0043119, MONDO:0010196, OMIM 277700.

Allele frequency attached by ClinVar (database versions not stated): gnomAD exomes below 0.00001.
gnomAD v4.1: 1 of 1,613,876 alleles (0.000062%); highest among the groups gnomAD compares: Non-Finnish European, 0.000085%; no homozygotes.

Submission:

Labcorp Genetics (formerly Invitae), Labcorp
Classification: Uncertain significance for Werner syndrome. Last evaluated: 2024-04-16. Review status: criteria provided, single submitter. Criteria: Invitae Variant Classification Sherloc (09022015). Collection method: clinical testing. Allele origin: germline.
Comment: This sequence change replaces threonine, which is neutral and polar, with serine, which is neutral and polar, at codon 174 of the WRN protein (p.Thr174Ser). This variant is not present in population databases (gnomAD no frequency). This variant has not been reported in the literature in individuals affected with WRN-related conditions. ClinVar contains an entry for this variant (Variation ID: 642399). An algorithm developed to predict the effect of missense changes on protein structure and function (PolyPhen-2) suggests that this variant is likely to be tolerated. In summary, the available evidence is currently insufficient to determine the role of this variant in disease. Therefore, it has been classified as a Variant of Uncertain Significance.